The following is an entry in ClinVar:

ClinVar aggregate classification (germline): Likely benign (1 of 4 stars; one submission).

Allele frequency attached by ClinVar (database versions not stated): gnomAD 0.00005; gnomAD exomes 0.00005; TOPMed 0.00006; ExAC 0.00010.
gnomAD v4.1: 92 of 1,606,930 alleles (0.0057%); highest among the groups gnomAD compares: Middle Eastern, 0.033%; no homozygotes.

Submission:

CeGaT Center for Human Genetics Tuebingen
Classification: Likely benign. Last evaluated: 2023-03-01. Review status: criteria provided, single submitter. Criteria: CeGaT Center For Human Genetics Tuebingen Variant Classification Criteria Version 2. Collection method: clinical testing. Allele origin: germline. Affected: yes. Observed: 1 variant allele.
Comment: TAAR9: BP4, BP7

NM_175057.4(TAAR9):c.915T>C (p.Ala305=)

Gene: TAAR9 (trace amine associated receptor 9; plus strand). Cytogenetic location: 6q23.2.
Variant type: single nucleotide variant.
Coding change: c.915T>C on transcript NM_175057.4 (MANE Select); coding-DNA position 915, T replaced by C.
Protein change: p.Ala305=; no amino-acid change (alanine 305 retained).
Molecular consequence: synonymous variant.
Genome position (GRCh38, 1-based): chr6:132,539,204, T>C. VCF-style: chr6-132539204-T-C. GRCh37 (hg19) VCF-style: chr6-132860343-T-C.
Identifiers: ClinVar variation 2656915 (VCV002656915.24), dbSNP rs745860903, ClinGen allele CA4004064.